The following is an entry in ClinVar:

NM_004304.5(ALK):c.4688C>A (p.Thr1563Asn)

Gene: ALK (ALK receptor tyrosine kinase; minus strand). Cytogenetic location: 2p23.2.
Variant type: single nucleotide variant.
Coding change: c.4688C>A on transcript NM_004304.5 (MANE Select); coding-DNA position 4688, C replaced by A.
Protein change: p.Thr1563Asn; replaces threonine 1563 with asparagine.
Molecular consequence: missense variant.
Genome position (GRCh38, 1-based): chr2:29,193,399, G>T on the plus strand (C>A on the coding strand, the complement: ALK is on the minus strand). VCF-style: chr2-29193399-G-T. GRCh37 (hg19) VCF-style: chr2-29416265-G-T.
Other names: c.1484C>A, p.Thr495Asn (NM_001353765.2); short protein forms T1563N, T495N.
Identifiers: ClinVar variation 3285730 (VCV003285730.1).

ClinVar aggregate classification (germline): Uncertain significance (1 of 4 stars; one submission).

Conditions:
Hereditary cancer-predisposing syndrome. Also called: Tumor predisposition; Hereditary Cancer Syndrome; Hereditary neoplastic syndrome; Neoplastic Syndromes, Hereditary. Identifiers: Orphanet 140162, MedGen C0027672, MeSH D009386, MONDO:0015356.

Submission:

Ambry Genetics
Classification: Uncertain significance for Hereditary cancer-predisposing syndrome. Last evaluated: 2024-03-25. Review status: criteria provided, single submitter. Criteria: Ambry Variant Classification Scheme 2023. Collection method: clinical testing. Allele origin: germline.
Comment: The p.T1563N variant (also known as c.4688C>A), located in coding exon 29 of the ALK gene, results from a C to A substitution at nucleotide position 4688. The threonine at codon 1563 is replaced by asparagine, an amino acid with similar properties. This amino acid position is conserved. In addition, this alteration is predicted to be tolerated by in silico analysis. Based on the available evidence, the clinical significance of this alteration remains unclear.